The following is an entry in ClinVar:

NM_052947.4(ALPK2):c.5975C>T (p.Ala1992Val)

Gene: ALPK2 (alpha kinase 2; minus strand). Cytogenetic location: 18q21.31.
Variant type: single nucleotide variant.
Coding change: c.5975C>T on transcript NM_052947.4 (MANE Select); coding-DNA position 5975, C replaced by T.
Protein change: p.Ala1992Val; replaces alanine 1992 with valine.
Molecular consequence: missense variant.
Genome position (GRCh38, 1-based): chr18:58,515,047, G>A on the plus strand (C>T on the coding strand, the complement: ALPK2 is on the minus strand). VCF-style: chr18-58515047-G-A. GRCh37 (hg19) VCF-style: chr18-56182279-G-A.
Other names: short protein forms A1992V.
Identifiers: ClinVar variation 1750800 (VCV001750800.3), dbSNP rs2518861343, ClinGen allele CA402546329.

ClinVar aggregate classification (germline): Uncertain significance (1 of 4 stars; one submission).

Submission:

Ambry Genetics
Classification: Uncertain significance. Last evaluated: 2022-04-19. Review status: criteria provided, single submitter. Criteria: Ambry Variant Classification Scheme 2023. Collection method: clinical testing. Allele origin: germline.
Comment: The p.A1992V variant (also known as c.5975C>T), located in coding exon 9 of the ALPK2 gene, results from a C to T substitution at nucleotide position 5975. The alanine at codon 1992 is replaced by valine, an amino acid with similar properties. This amino acid position is conserved. In addition, this alteration is predicted to be tolerated by in silico analysis. Since supporting evidence is limited at this time, the clinical significance of this alteration remains unclear.